The following is an entry in ClinVar:

ClinVar aggregate classification (germline): Uncertain significance (1 of 4 stars; one submission).

gnomAD v4.1: 7 of 1,612,622 alleles (0.00043%); highest among the groups gnomAD compares: East Asian, 0.0045%; no homozygotes.

Submission:

CeGaT Center for Human Genetics Tuebingen
Classification: Uncertain significance. Last evaluated: 2022-11-01. Review status: criteria provided, single submitter. Criteria: CeGaT Center For Human Genetics Tuebingen Variant Classification Criteria Version 2. Collection method: clinical testing. Allele origin: germline. Affected: yes. Observed: 1 variant allele.
Comment: CUX1: PP2, BP4

NM_181552.4(CUX1):c.3674C>T (p.Pro1225Leu)

Gene: CUX1 (cut like homeobox 1; plus strand). Cytogenetic location: 7q22.1.
Variant type: single nucleotide variant.
Coding change: c.3674C>T on transcript NM_181552.4 (MANE Select); coding-DNA position 3674, C replaced by T.
Protein change: p.Pro1225Leu; replaces proline 1225 with leucine.
Molecular consequence: missense variant. On other transcripts: intron variant (5).
Genome position (GRCh38, 1-based): chr7:102,239,371, C>T. VCF-style: chr7-102239371-C-T. GRCh37 (hg19) VCF-style: chr7-101882651-C-T.
Other names: c.3707C>T, p.Pro1236Leu (NM_001202543.2); c.1256-33995C>T (NM_001913.5); c.1250-33995C>T (NM_181500.4); c.1118-33995C>T (NM_001202545.3); c.1208-33995C>T (NM_001202544.3); c.1139-33995C>T (NM_001202546.3); short protein forms P1225L, P1236L.
Identifiers: ClinVar variation 2657874 (VCV002657874.24), dbSNP rs921772468, ClinGen allele CA163394729.